The following is an entry in ClinVar:

ClinVar aggregate classification (germline): Uncertain significance. Review status: criteria provided, multiple submitters, no conflicts (2 of 4 stars). 3 submissions from 3 submitters: Uncertain significance (3). Last evaluated 2025-09-22.

Conditions:
Inborn genetic diseases. Identifiers: MedGen C0950123, MeSH D030342.
Amyotrophic lateral sclerosis type 21. Also called: VOCAL CORD AND PHARYNGEAL DYSFUNCTION WITH DISTAL MYOPATHY; MYOPATHY, DISTAL, 2. Identifiers: Orphanet 600, Orphanet 803, MedGen C3807521, MONDO:0011632, OMIM 606070.

Allele frequency attached by ClinVar (database versions not stated): gnomAD 0.00001; gnomAD exomes 0.00001; ESP Exome Variant Server 0.00008; TOPMed 0.00001.
gnomAD v4.1: 9 of 1,609,272 alleles (0.00056%); highest among the groups gnomAD compares: African/African-American, 0.0013%; no homozygotes.

Submissions (3):

Ambry Genetics
Classification: Uncertain significance for Inborn genetic diseases. Last evaluated: 2025-09-22. Review status: criteria provided, single submitter. Criteria: Ambry Variant Classification Scheme 2023. Collection method: clinical testing. Allele origin: germline.

Labcorp Genetics (formerly Invitae), Labcorp
Classification: Uncertain significance for Amyotrophic lateral sclerosis type 21. Last evaluated: 2022-10-09. Review status: criteria provided, single submitter. Criteria: Invitae Variant Classification Sherloc (09022015). Collection method: clinical testing. Allele origin: germline.
Comment: This sequence change replaces isoleucine, which is neutral and non-polar, with valine, which is neutral and non-polar, at codon 425 of the MATR3 protein (p.Ile425Val). This variant is present in population databases (rs370556662, gnomAD 0.0009%). This variant has not been reported in the literature in individuals affected with MATR3-related conditions. Advanced modeling of protein sequence and biophysical properties (such as structural, functional, and spatial information, amino acid conservation, physicochemical variation, residue mobility, and thermodynamic stability) performed at Invitae indicates that this missense variant is not expected to disrupt MATR3 protein function. In summary, the available evidence is currently insufficient to determine the role of this variant in disease. Therefore, it has been classified as a Variant of Uncertain Significance.

CeGaT Center for Human Genetics Tuebingen
Classification: Uncertain significance. Last evaluated: 2022-08-01. Review status: criteria provided, single submitter. Criteria: CeGaT Center For Human Genetics Tuebingen Variant Classification Criteria Version 2. Collection method: clinical testing. Allele origin: germline. Affected: yes. Observed: 1 variant allele.

NM_018834.6(MATR3):c.1273A>G (p.Ile425Val)

Gene: MATR3 (matrin 3; plus strand). Cytogenetic location: 5q31.2.
Variant type: single nucleotide variant.
Coding change: c.1273A>G on transcript NM_018834.6 (MANE Select); coding-DNA position 1273, A replaced by G.
Protein change: p.Ile425Val; replaces isoleucine 425 with valine.
Molecular consequence: missense variant.
Genome position (GRCh38, 1-based): chr5:139,317,686, A>G. VCF-style: chr5-139317686-A-G. GRCh37 (hg19) VCF-style: chr5-138653375-A-G.
Other names: c.1273A>G, p.Ile425Val (NM_001194954.2, NM_001194955.2, NM_001400441.1 and 16 more transcripts); c.409A>G, p.Ile137Val (NM_001194956.2); c.259A>G, p.Ile87Val (NM_001282278.2, NM_001400460.1, NM_001400462.1 and 5 more transcripts); c.412A>G, p.Ile138Val (NM_001400459.1); c.373A>G, p.Ile125Val (NM_001400461.1); c.1273A>G (NM_199189.2); short protein forms I137V, I138V, I125V, I425V, I87V.
Identifiers: ClinVar variation 2150775 (VCV002150775.28), dbSNP rs370556662, ClinGen allele CA128233985.